The following is an entry in ClinVar:

ClinVar aggregate classification (germline): Pathogenic (1 of 4 stars; one submission).

Conditions:
Chromosome 16p11.2 duplication syndrome. Identifiers: Orphanet 370079, MedGen C3553407, MONDO:0013847, OMIM 614671.

Submission:

Department of Prenatal Diagnosis, Henan Provincial People’s Hospital
Classification: Pathogenic for Chromosome 16p11.2 duplication syndrome. Last evaluated: 2026-11-25. Review status: criteria provided, single submitter. Criteria: ACMG/ClinGen CNV Guidelines, 2019. Collection method: research. Allele origin: de novo, germline. Affected: yes and no. Observed: 2 variant alleles.
Comment: Based on the "ACMG/ClinGen CNV Guidelines" (2019, PMID: 31690835), this dupliaction encompasses the triplosensitive genomic region-16p11.2 recurrent region (proximal, BP4-BP5) (includes TBX6)，which satisfies the criteria for Evidence Type 2A and is assigned a score of 1. As a result, the observed copy number duplication in this case achieves a cumulative score of ≥0.99, classifying it as a pathogenic copy number variant.

GRCh37/hg19 16p11.2(chr16:29673954-30332581)x3

Genes: ALDOA (aldolase, fructose-bisphosphate A; plus strand), ASPHD1 (aspartate beta-hydroxylase domain containing 1; plus strand), BOLA2B (bolA family member 2B; minus strand), C16orf54 (chromosome 16 open reading frame 54; minus strand), CDIPT (CDP-diacylglycerol--inositol 3-phosphatidyltransferase; minus strand) and 25 more. Cytogenetic location: 16p11.2.
Variant type: copy number gain.
Change: copy number 3 (three copies instead of two) of chr16:29,673,954-30,332,581 (658.6 kb, GRCh37 coordinates, 1-based), cytogenetic band 16p11.2.
Identifiers: ClinVar variation 5043581 (VCV005043581.1).